The following is an entry in ClinVar:

NM_000719.7(CACNA1C):c.5932G>A (p.Glu1978Lys)

Genes: CACNA1C (calcium voltage-gated channel subunit alpha1 C; plus strand), CACNA1C-AS1 (CACNA1C antisense RNA 1; minus strand). Cytogenetic location: 12p13.33.
Variant type: single nucleotide variant.
Coding change: c.5932G>A on transcript NM_000719.7 (MANE Select); coding-DNA position 5932, G replaced by A.
Protein change: p.Glu1978Lys; replaces glutamic acid 1978 with lysine.
Molecular consequence: missense variant.
Genome position (GRCh38, 1-based): chr12:2,688,594, G>A. VCF-style: chr12-2688594-G-A. GRCh37 (hg19) VCF-style: chr12-2797760-G-A.
Other names: c.6076G>A, p.Glu2026Lys (NM_001129827.2); c.6055G>A, p.Glu2019Lys (NM_001129829.2); c.6037G>A, p.Glu2013Lys (NM_001129830.3, NM_001167624.3); c.6016G>A, p.Glu2006Lys (NM_001129831.2); c.5992G>A, p.Glu1998Lys (NM_001129832.2); c.5989G>A, p.Glu1997Lys (NM_001129833.2, NM_001129834.2, NM_001129835.2); c.5983G>A, p.Glu1995Lys (NM_001129836.2); c.5956G>A, p.Glu1986Lys (NM_001129837.2, NM_001129838.2); and 6 more; short protein forms E1984K, E1986K, E1998K, E2026K, E2038K, E2061K, E1975K, E1978K.
Identifiers: ClinVar variation 1431553 (VCV001431553.9), dbSNP rs765320988, ClinGen allele CA6390035.

ClinVar aggregate classification (germline): Conflicting classifications of pathogenicity. Review status: criteria provided, conflicting classifications (1 of 4 stars). 3 submissions from 3 submitters: Uncertain significance (1); Likely benign (2). Last evaluated 2025-05-20.

Conditions:
Cardiovascular phenotype. Identifiers: MedGen CN230736.
Long QT syndrome (LQTS). Identifiers: MedGen C0023976, MeSH D008133, MONDO:0002442. Disease mechanism: loss of function. Inheritance: Various modes of inheritance.

Allele frequency attached by ClinVar (database versions not stated): ExAC 0.00001; gnomAD 0.00001; gnomAD exomes 0.00001; TOPMed 0.00001.
gnomAD v4.1: 11 of 1,613,858 alleles (0.00068%); highest among the groups gnomAD compares: African/African-American, 0.0027%; no homozygotes.

Submissions (3):

Ambry Genetics
Classification: Likely benign for Cardiovascular phenotype. Last evaluated: 2025-05-20. Review status: criteria provided, single submitter. Criteria: Ambry Variant Classification Scheme 2023. Collection method: clinical testing. Allele origin: germline.

Labcorp Genetics (formerly Invitae), Labcorp
Classification: Uncertain significance for Long QT syndrome. Last evaluated: 2024-08-11. Review status: criteria provided, single submitter. Criteria: Invitae Variant Classification Sherloc (09022015). Collection method: clinical testing. Allele origin: germline.
Comment: This sequence change replaces glutamic acid, which is acidic and polar, with lysine, which is basic and polar, at codon 1978 of the CACNA1C protein (p.Glu1978Lys). This variant is present in population databases (rs765320988, gnomAD 0.002%). This variant has not been reported in the literature in individuals affected with CACNA1C-related conditions. ClinVar contains an entry for this variant (Variation ID: 1431553). Advanced modeling of protein sequence and biophysical properties (such as structural, functional, and spatial information, amino acid conservation, physicochemical variation, residue mobility, and thermodynamic stability) performed at Invitae indicates that this missense variant is not expected to disrupt CACNA1C protein function with a negative predictive value of 95%. In summary, the available evidence is currently insufficient to determine the role of this variant in disease. Therefore, it has been classified as a Variant of Uncertain Significance.

Blueprint Genetics
Classification: Likely benign. Last evaluated: 2022-03-25. Review status: criteria provided, single submitter. Criteria: ACMG Guidelines, 2015. Collection method: clinical testing. Allele origin: germline.